The following is an entry in ClinVar:

NM_000489.6(ATRX):c.5975C>A (p.Ser1992Tyr)

Gene: ATRX (ATRX chromatin remodeler; minus strand). Cytogenetic location: Xq21.1.
Variant type: single nucleotide variant.
Coding change: c.5975C>A on transcript NM_000489.6 (MANE Select); coding-DNA position 5975, C replaced by A.
Protein change: p.Ser1992Tyr; replaces serine 1992 with tyrosine.
Molecular consequence: missense variant.
Genome position (GRCh38, 1-based): chrX:77,593,831, G>T on the plus strand (C>A on the coding strand, the complement: ATRX is on the minus strand). VCF-style: chrX-77593831-G-T. GRCh37 (hg19) VCF-style: chrX-76849301-G-T.
Other names: c.5861C>A, p.Ser1954Tyr (NM_138270.5); short protein forms S1954Y, S1992Y.
Identifiers: ClinVar variation 2504544 (VCV002504544.1), dbSNP rs2521524090, ClinGen allele CA413703253.

ClinVar aggregate classification (germline): Uncertain significance (1 of 4 stars; one submission).

Submission:

GeneDx
Classification: Uncertain significance. Last evaluated: 2022-12-01. Review status: criteria provided, single submitter. Criteria: GeneDx Variant Classification Process June 2021. Collection method: clinical testing. Allele origin: germline. Affected: yes.
Comment: Not observed at significant frequency in large population cohorts (gnomAD); In silico analysis supports that this missense variant has a deleterious effect on protein structure/function; Has not been previously published as pathogenic or benign to our knowledge